The following is an entry in ClinVar:

NM_002519.3(NPAT):c.2479A>G (p.Thr827Ala)

Gene: NPAT (nuclear protein, coactivator of histone transcription; minus strand). Cytogenetic location: 11q22.3.
Variant type: single nucleotide variant.
Coding change: c.2479A>G on transcript NM_002519.3 (MANE Select); coding-DNA position 2479, A replaced by G.
Protein change: p.Thr827Ala; replaces threonine 827 with alanine.
Molecular consequence: missense variant.
Genome position (GRCh38, 1-based): chr11:108,172,505, T>C on the plus strand (A>G on the coding strand, the complement: NPAT is on the minus strand). VCF-style: chr11-108172505-T-C. GRCh37 (hg19) VCF-style: chr11-108043232-T-C.
Other names: c.2479A>G, p.Thr827Ala (NM_001321307.1); short protein forms T827A.
Identifiers: ClinVar variation 2408476 (VCV002408476.5), dbSNP rs1171842761, ClinGen allele CA382512893.
Genomic context (GRCh38, chr11:108,172,505, plus strand): 5'-CATCCTTGGAAACACATGGTGTAACATTAGCTGAAAAAGCAATGCCATCTTCATTCTGAG[T>C]ATTGTTTACTGCAGAGTCTTCAGATTTGAATGTTAAAAGACTCTGTTCCATTGAGGCTGA-3'
Protein context (NP_002510.2, residues 817-837): FKSEDSAVNN[Thr827Ala]QNEDGIAFSA

ClinVar aggregate classification (germline): Uncertain significance. Review status: criteria provided, multiple submitters, no conflicts (2 of 4 stars). 2 submissions from 2 submitters: Uncertain significance (2). Last evaluated 2023-12-23.

Allele frequency attached by ClinVar (database versions not stated): gnomAD 0.00001; gnomAD exomes 0.00001; TOPMed 0.00002.
gnomAD v4.1: 12 of 1,614,092 alleles (0.00074%); highest among the groups gnomAD compares: East Asian, 0.0022%; no homozygotes.

Submissions (2):

Labcorp Genetics (formerly Invitae), Labcorp
Classification: Uncertain significance. Last evaluated: 2023-12-23. Review status: criteria provided, single submitter. Criteria: Invitae Variant Classification Sherloc (09022015). Collection method: clinical testing. Allele origin: germline.
Comment: This sequence change replaces threonine, which is neutral and polar, with alanine, which is neutral and non-polar, at codon 827 of the NPAT protein (p.Thr827Ala). This variant is present in population databases (no rsID available, gnomAD 0.0009%). This variant has not been reported in the literature in individuals affected with NPAT-related conditions. ClinVar contains an entry for this variant (Variation ID: 2408476). Algorithms developed to predict the effect of missense changes on protein structure and function output the following: SIFT: "Not Available"; PolyPhen-2: "Benign"; Align-GVGD: "Not Available". The alanine amino acid residue is found in multiple mammalian species, which suggests that this missense change does not adversely affect protein function. In summary, the available evidence is currently insufficient to determine the role of this variant in disease. Therefore, it has been classified as a Variant of Uncertain Significance.

Ambry Genetics
Classification: Uncertain significance. Last evaluated: 2021-10-12. Review status: criteria provided, single submitter. Criteria: Ambry Variant Classification Scheme 2023. Collection method: clinical testing. Allele origin: germline.